The following is an entry in ClinVar:

NM_006371.5(CRTAP):c.976C>G (p.Gln326Glu)

Gene: CRTAP (cartilage associated protein; plus strand). Cytogenetic location: 3p22.3.
Variant type: single nucleotide variant.
Coding change: c.976C>G on transcript NM_006371.5 (MANE Select); coding-DNA position 976, C replaced by G.
Protein change: p.Gln326Glu; replaces glutamine 326 with glutamic acid.
Molecular consequence: missense variant.
Genome position (GRCh38, 1-based): chr3:33,132,608, C>G. VCF-style: chr3-33132608-C-G. GRCh37 (hg19) VCF-style: chr3-33174100-C-G.
Other names: short protein forms Q326E.
Identifiers: ClinVar variation 903392 (VCV000903392.5), dbSNP rs116821774, ClinGen allele CA2300459.

ClinVar aggregate classification (germline): Uncertain significance. Review status: criteria provided, multiple submitters, no conflicts (2 of 4 stars). 2 submissions from 2 submitters: Uncertain significance (2). Last evaluated 2022-04-01.

Conditions:
Osteogenesis imperfecta type 7 (OI7). Also called: OSTEOGENESIS IMPERFECTA, TYPE IIB; Osteogenesis imperfecta type 2B; OI type 2B; Osteogenesis imperfecta, perinatal lethal autosomal recessive; OI type IIB; OI type 7. Identifiers: MedGen C1853162, MONDO:0012536, OMIM 610682.

Allele frequency attached by ClinVar (database versions not stated): gnomAD 0.00003 and 0.00004; TOPMed 0.00007; ExAC 0.00014; 1000 Genomes Project 30x 0.00016; 1000 Genomes Project 0.00020.
gnomAD v4.1: 65 of 1,614,158 alleles (0.004%); highest among the groups gnomAD compares: East Asian, 0.13%; no homozygotes.

Submissions (2):

Labcorp Genetics (formerly Invitae), Labcorp
Classification: Uncertain significance for Osteogenesis imperfecta type 7. Last evaluated: 2022-04-01. Review status: criteria provided, single submitter. Criteria: Invitae Variant Classification Sherloc (09022015). Collection method: clinical testing. Allele origin: germline.
Comment: This sequence change replaces glutamine, which is neutral and polar, with glutamic acid, which is acidic and polar, at codon 326 of the CRTAP protein (p.Gln326Glu). This variant is present in population databases (rs116821774, gnomAD 0.2%). This variant has not been reported in the literature in individuals affected with CRTAP-related conditions. ClinVar contains an entry for this variant (Variation ID: 903392). Algorithms developed to predict the effect of missense changes on protein structure and function (SIFT, PolyPhen-2, Align-GVGD) all suggest that this variant is likely to be tolerated. In summary, the available evidence is currently insufficient to determine the role of this variant in disease. Therefore, it has been classified as a Variant of Uncertain Significance.

Illumina Laboratory Services, Illumina
Classification: Uncertain significance for Osteogenesis imperfecta type 7. Last evaluated: 2018-01-12. Review status: criteria provided, single submitter. Criteria: ICSL Variant Classification Criteria 13 December 2019. Collection method: clinical testing. Allele origin: germline.